The following is an entry in ClinVar:

ClinVar aggregate classification (germline): Uncertain significance (1 of 4 stars; one submission).

Conditions:
Hereditary cancer-predisposing syndrome. Also called: Tumor predisposition; Hereditary Cancer Syndrome; Hereditary neoplastic syndrome; Neoplastic Syndromes, Hereditary. Identifiers: Orphanet 140162, MedGen C0027672, MeSH D009386, MONDO:0015356.

Submission:

Ambry Genetics
Classification: Uncertain significance for Hereditary cancer-predisposing syndrome. Last evaluated: 2025-10-08. Review status: criteria provided, single submitter. Criteria: Ambry Variant Classification Scheme 2023. Collection method: clinical testing. Allele origin: germline.
Comment: The p.E24G variant (also known as c.71A>G), located in coding exon 1 of the SMARCB1 gene, results from an A to G substitution at nucleotide position 71. The glutamic acid at codon 24 is replaced by glycine, an amino acid with similar properties. This amino acid position is conserved. In addition, the in silico prediction for this alteration is inconclusive. Based on the available evidence, the clinical significance of this variant remains unclear.

NM_003073.5(SMARCB1):c.71A>G (p.Glu24Gly)

Gene: SMARCB1 (SWI/SNF related BAF chromatin remodeling complex subunit B1; plus strand). Cytogenetic location: 22q11.23.
Variant type: single nucleotide variant.
Coding change: c.71A>G on transcript NM_003073.5 (MANE Select); coding-DNA position 71, A replaced by G.
Protein change: p.Glu24Gly; replaces glutamic acid 24 with glycine.
Molecular consequence: missense variant.
Genome position (GRCh38, 1-based): chr22:23,787,240, A>G. VCF-style: chr22-23787240-A-G. GRCh37 (hg19) VCF-style: chr22-24129427-A-G.
Other names: c.71A>G, p.Glu24Gly (NM_001007468.3, NM_001317946.2, NM_001362877.2); short protein forms E24G.
Identifiers: ClinVar variation 4550174 (VCV004550174.1).